The following is an entry in ClinVar:

ClinVar aggregate classification (germline): Uncertain significance (1 of 4 stars; one submission).

gnomAD v4.1: 1 of 1,613,782 alleles (0.000062%); highest among the groups gnomAD compares: Non-Finnish European, 0.000085%; no homozygotes.

Submission:

GeneDx
Classification: Uncertain significance. Last evaluated: 2025-05-05. Review status: criteria provided, single submitter. Criteria: GeneDx Variant Classification Process June 2021. Collection method: clinical testing. Allele origin: germline. Affected: yes.
Comment: Not observed at significant frequency in large population cohorts (gnomAD); In silico analysis supports that this missense variant has a deleterious effect on protein structure/function; Has not been previously published as pathogenic or benign to our knowledge

NM_006372.5(SYNCRIP):c.308G>A (p.Arg103Lys)

Gene: SYNCRIP (synaptotagmin binding cytoplasmic RNA interacting protein; minus strand). Cytogenetic location: 6q14.3.
Variant type: single nucleotide variant.
Coding change: c.308G>A on transcript NM_006372.5 (MANE Select); coding-DNA position 308, G replaced by A.
Protein change: p.Arg103Lys; replaces arginine 103 with lysine.
Molecular consequence: missense variant. On other transcripts: 5 prime UTR variant (1).
Genome position (GRCh38, 1-based): chr6:85,640,288, C>T on the plus strand (G>A on the coding strand, the complement: SYNCRIP is on the minus strand). VCF-style: chr6-85640288-C-T. GRCh37 (hg19) VCF-style: chr6-86350006-C-T.
Other names: c.308G>A, p.Arg103Lys (NM_001439158.1, NM_001439160.1, NM_001439161.1 and 5 more transcripts); c.14G>A, p.Arg5Lys (NM_001439159.1, NM_001159673.2, NM_001410938.1); c.-123G>A (NM_001253771.2); short protein forms R103K, R5K.
Identifiers: ClinVar variation 4528083 (VCV004528083.1).